The following is an entry in ClinVar:

ClinVar aggregate classification (germline): Uncertain significance (1 of 4 stars; one submission).

gnomAD v4.1: 3 of 1,599,560 alleles (0.00019%); highest among the groups gnomAD compares: Non-Finnish European, 0.00026%; no homozygotes.

Submission:

Greenwood Genetic Center Diagnostic Laboratories, Greenwood Genetic Center
Classification: Uncertain significance. Last evaluated: 2024-03-07. Review status: criteria provided, single submitter. Criteria: ACMG Guidelines, 2015. Collection method: clinical testing. Allele origin: germline. Affected: yes.
Comment: PM2, BP4, PP2

NM_003458.4(BSN):c.700C>A (p.Pro234Thr)

Gene: BSN (bassoon presynaptic cytomatrix protein; plus strand). Cytogenetic location: 3p21.31.
Variant type: single nucleotide variant.
Coding change: c.700C>A on transcript NM_003458.4 (MANE Select); coding-DNA position 700, C replaced by A.
Protein change: p.Pro234Thr; replaces proline 234 with threonine.
Molecular consequence: missense variant.
Genome position (GRCh38, 1-based): chr3:49,642,334, C>A. VCF-style: chr3-49642334-C-A. GRCh37 (hg19) VCF-style: chr3-49679767-C-A.
Other names: short protein forms P234T.
Identifiers: ClinVar variation 3235786 (VCV003235786.1), dbSNP rs775327878, ClinGen allele CA352799088.
Genomic context (GRCh38, chr3:49,642,334, plus strand): 5'-GAGTGGCTCTGTCTGAACTGTCAGATGCAGAGGGCTCTGGGAATGGACATGACCACTGCA[C>A]CTCGCTCCAAGAGCCAGCAGCAGCTGCACTCCCCAGCCCTGTCTCCTGCCCACTCCCCGG-3'
Protein context (NP_003449.2, residues 224-244): RALGMDMTTA[Pro234Thr]RSKSQQQLHS